The following is an entry in ClinVar:

ClinVar aggregate classification (germline): Uncertain significance. Review status: criteria provided, multiple submitters, no conflicts (2 of 4 stars). 2 submissions from 2 submitters: Uncertain significance (2). Last evaluated 2025-12-24.

Conditions:
Familial thoracic aortic aneurysm and aortic dissection (TAAD). Also called: Thoracic aortic aneurysms and dissections. Identifiers: Orphanet 91387, MedGen C4707243, MONDO:0019625.
Shprintzen-Goldberg syndrome (SGS). Also called: SHPRINTZEN-GOLDBERG CRANIOSYNOSTOSIS SYNDROME; CRANIOSYNOSTOSIS WITH ARACHNODACTYLY AND ABDOMINAL HERNIAS; Marfanoid disorder with craniosynostosis type 1; Marfanoid craniosynostosis syndrome; Shprintzen-Goldberg marfanoid syndrome. Identifiers: Orphanet 2462, MedGen C1321551, MONDO:0008426, OMIM 182212.

gnomAD v4.1: 4 of 1,596,010 alleles (0.00025%); highest among the groups gnomAD compares: African/African-American, 0.004%; no homozygotes.

Submissions (2):

Ambry Genetics
Classification: Uncertain significance for Familial thoracic aortic aneurysm and aortic dissection. Last evaluated: 2025-12-24. Review status: criteria provided, single submitter. Criteria: Ambry Variant Classification Scheme 2023. Collection method: clinical testing. Allele origin: germline.
Comment: The p.L190V variant (also known as c.568C>G), located in coding exon 1 of the SKI gene, results from a C to G substitution at nucleotide position 568. The leucine at codon 190 is replaced by valine, an amino acid with highly similar properties. This amino acid position is conserved. In addition, this alteration is predicted to be tolerated by in silico analysis. Based on the available evidence, the clinical significance of this variant remains unclear.

Labcorp Genetics (formerly Invitae), Labcorp
Classification: Uncertain significance for Shprintzen-Goldberg syndrome. Last evaluated: 2024-03-12. Review status: criteria provided, single submitter. Criteria: Invitae Variant Classification Sherloc (09022015). Collection method: clinical testing. Allele origin: germline.
Comment: This sequence change replaces leucine, which is neutral and non-polar, with valine, which is neutral and non-polar, at codon 190 of the SKI protein (p.Leu190Val). This variant is present in population databases (rs573863671, gnomAD no frequency). This variant has not been reported in the literature in individuals affected with SKI-related conditions. Advanced modeling of protein sequence and biophysical properties (such as structural, functional, and spatial information, amino acid conservation, physicochemical variation, residue mobility, and thermodynamic stability) has been performed at Invitae for this missense variant, however the output from this modeling did not meet the statistical confidence thresholds required to predict the impact of this variant on SKI protein function. In summary, the available evidence is currently insufficient to determine the role of this variant in disease. Therefore, it has been classified as a Variant of Uncertain Significance.

NM_003036.4(SKI):c.568C>G (p.Leu190Val)

Gene: SKI (SKI proto-oncogene; plus strand). Cytogenetic location: 1p36.33.
Variant type: single nucleotide variant.
Coding change: c.568C>G on transcript NM_003036.4 (MANE Select); coding-DNA position 568, C replaced by G.
Protein change: p.Leu190Val; replaces leucine 190 with valine.
Molecular consequence: missense variant.
Genome position (GRCh38, 1-based): chr1:2,229,334, C>G. VCF-style: chr1-2229334-C-G. GRCh37 (hg19) VCF-style: chr1-2160773-C-G.
Other names: short protein forms L190V.
Identifiers: ClinVar variation 3442321 (VCV003442321.4).